The following is an entry in ClinVar:

NM_000030.3(AGXT):c.847-1G>C

Gene: AGXT (alanine--glyoxylate aminotransferase; plus strand). Cytogenetic location: 2q37.3.
Variant type: single nucleotide variant.
Coding change: c.847-1G>C on transcript NM_000030.3 (MANE Select); the canonical splice acceptor site of the intron before coding-DNA position 847, G replaced by C.
Molecular consequence: splice acceptor variant.
Genome position (GRCh38, 1-based): chr2:240,877,536, G>C. VCF-style: chr2-240877536-G-C. GRCh37 (hg19) VCF-style: chr2-241816953-G-C.
Identifiers: ClinVar variation 204168 (VCV000204168.8), dbSNP rs180177285, ClinGen allele CA275808.

ClinVar aggregate classification (germline): Pathogenic/Likely pathogenic. Review status: criteria provided, multiple submitters, no conflicts (2 of 4 stars). 6 submissions from 6 submitters: Pathogenic (3); Likely pathogenic (1). 2 of the submissions do not count toward it. Last evaluated 2024-04-29.

Conditions:
Primary hyperoxaluria. Identifiers: Orphanet 416, MedGen C0020501, MONDO:0002474.
Primary hyperoxaluria, type I (HP1). Also called: GLYCOLIC ACIDURIA; HEPATIC AGT DEFICIENCY; OXALOSIS I; Primary hyperoxaluria type 1. Identifiers: Orphanet 416, Orphanet 93598, MedGen C0268164, MONDO:0009823, OMIM 259900. Disease mechanism: loss of function.

Allele frequency attached by ClinVar (database versions not stated): gnomAD exomes below 0.00001.
gnomAD v4.1: 4 of 1,547,836 alleles (0.00026%); highest among the groups gnomAD compares: Non-Finnish European, 0.00035%; no homozygotes.

Submissions (6):

Natera, Inc.
Classification: Likely pathogenic for Primary hyperoxaluria type I. Last evaluated: 2024-04-29. Review status: criteria provided, single submitter. Criteria: Natera Variant Classification Schema (03/2026). Collection method: clinical testing. Allele origin: germline.
Comment: The c.847-1G>C variant in AGXT is a canonical splice acceptor site variant predicted to affect pre-mRNA splicing, which may result in an abnormal transcript and altered protein product. This variant may result in a truncated or dysfunctional protein product. This variant is rare in the general population with a frequency below the threshold expected for the associated phenotype(s). This variant has been observed in one or more individuals affected with the associated recessive disease, as either homozygous or compound heterozygous with a second variant (PMID: 23940605, 35812297). Additionally, this variant has been observed to segregate in affected family members (PMID: 35812297). Given the available evidence, this variant is classified as Likely Pathogenic.

Baylor Genetics
Classification: Pathogenic for Primary hyperoxaluria, type I. Last evaluated: 2024-03-28. Review status: criteria provided, single submitter. Criteria: ACMG Guidelines, 2015. Collection method: clinical testing. Allele origin: unknown.

Victorian Clinical Genetics Services, Murdoch Childrens Research Institute
Classification: Pathogenic for Primary hyperoxaluria, type I. Last evaluated: 2023-07-17. Review status: criteria provided, single submitter. Criteria: ACMG Guidelines, 2015. Collection method: clinical testing. Allele origin: germline. Inheritance: Autosomal recessive inheritance. Affected: yes.
Comment: Based on the classification scheme VCGS_Germline_v1.3.4, this variant is classified as Pathogenic. Following criteria are met: 0102 - Loss of function is a known mechanism of disease in this gene and is associated with primary hyperoxaluria type 1 (MIM#259900). (I) 0106 - This gene is associated with autosomal recessive disease. (I) 0115 - Variants in this gene are known to have variable expressivity. Clinical variability has been reported for affected relatives carrying the same pathogenic variant (PMIDs: 20301460, 35695965). (I) 0211 - Canonical splice site variant without proven consequence on splicing (no functional evidence available). (SP) 0251 - This variant is heterozygous. (I) 0301 - Variant is absent from gnomAD (both v2 and v3). (SP) 0505 - Abnormal splicing is predicted by in silico tools and affected nucleotide is highly conserved. (SP) 0702 - Other splice site variants comparable to the one identified in this case have strong previous evidence for pathogenicity. c.847-3C>G and c.847-2_847-1del have been classified as pathogenic or likely pathogenic by clinical laboratories in ClinVar, and c.847-1G>A has been observed as homozygous in an individual with primary hyperoxaluria (PMID: 25629080). (SP) 0801 - This variant has strong previous evidence of pathogenicity in unrelated individuals. This variant has been classified as pathogenic or likely pathogenic by clinical laboratories in ClinVar and has been observed as homozygous or compound heterozygous in individuals with primary hyperoxaluria (PMIDs: 35812297, 23940605, 19571789, 10862087). (SP) 1208 - Inheritance information for this variant is not currently available in this individual. (I) Legend: (SP) - Supporting pathogenic, (I) - Information, (SB) - Supporting benign

Women's Health and Genetics/Laboratory Corporation of America, LabCorp
Classification: Pathogenic for Primary hyperoxaluria. Last evaluated: 2020-11-02. Review status: criteria provided, single submitter. Criteria: LabCorp Variant Classification Summary - May 2015. Collection method: clinical testing. Allele origin: germline.
Comment: Variant summary: AGXT c.847-1G>C alters a conserved nucleotide located in a canonical splice-site and is predicted to affect mRNA splicing resulting in a significantly altered protein due to either exon skipping, shortening, or inclusion of intronic material. Several computational tools predict a significant impact on normal splicing: Four predict the variant abolishes a 3' acceptor site. However, these predictions have yet to be confirmed by functional studies. The variant was absent in 151426 control chromosomes. c.847-1G>C has been reported in the literature in individuals affected with Primary Hyperoxaluria Type 1 and subsequently cited by others (example, Basmaison_2000, Fargue_2009, Coulter-Mackie_2004, Pirulli_2003, Williams_2009, Mandrile_2014). These data indicate that the variant is likely to be associated with disease. To our knowledge, no experimental evidence demonstrating an impact on protein function has been reported. One clinical diagnostic laboratory has submitted clinical-significance assessments for this variant to ClinVar after 2014 without evidence for independent evaluation and classified the variant as likely pathogenic. Based on the evidence outlined above, the variant was classified as pathogenic.

Counsyl
Classification: Likely pathogenic for Primary hyperoxaluria, type I. Last evaluated: 2017-08-04. Review status: no assertion criteria provided. Collection method: clinical testing. Allele origin: unknown. Not counted in ClinVar's aggregate classification.

Clinical Biochemistry Laboratory, Health Services Laboratory
Classification: Pathogenic for Primary hyperoxaluria, type I. Last evaluated: 2014-11-27. Review status: no assertion criteria provided. Collection method: research. Allele origin: germline. Affected: yes. Not counted in ClinVar's aggregate classification.

Literature cited by the submitters: PubMed 23940605 (cited by Natera, Inc. and Victorian Clinical Genetics Services, Murdoch Childrens Research Institute); PubMed 35812297 (cited by Natera, Inc. and Victorian Clinical Genetics Services, Murdoch Childrens Research Institute); PubMed 10862087 (cited by 4 submitters); PubMed 19571789 (cited by Victorian Clinical Genetics Services, Murdoch Childrens Research Institute and Women's Health and Genetics/Laboratory Corporation of America, LabCorp); PubMed 20301460 (cited by Victorian Clinical Genetics Services, Murdoch Childrens Research Institute); PubMed 25629080 (cited by Victorian Clinical Genetics Services, Murdoch Childrens Research Institute); PubMed 35695965 (cited by Victorian Clinical Genetics Services, Murdoch Childrens Research Institute); PubMed 19479957 (cited by Women's Health and Genetics/Laboratory Corporation of America, LabCorp); PubMed 24988064 (cited by Women's Health and Genetics/Laboratory Corporation of America, LabCorp); PubMed 15464418 (cited by Women's Health and Genetics/Laboratory Corporation of America, LabCorp); PubMed 12768081 (cited by Women's Health and Genetics/Laboratory Corporation of America, LabCorp).